The following is an entry in ClinVar:

ClinVar aggregate classification (germline): Pathogenic/Likely pathogenic. Review status: criteria provided, multiple submitters, no conflicts (2 of 4 stars). 3 submissions from 3 submitters: Pathogenic (1); Likely pathogenic (2). Last evaluated 2025-10-13.

Conditions:
Autosomal recessive nonsyndromic hearing loss 21. Identifiers: Orphanet 90636, MedGen C1863655, MONDO:0011351, OMIM 603629.
Autosomal dominant nonsyndromic hearing loss 12. Also called: DEAFNESS, AUTOSOMAL DOMINANT 8. Identifiers: Orphanet 90635, MedGen C1832187, MONDO:0011102, OMIM 601543.

Allele frequency attached by ClinVar (database versions not stated): gnomAD exomes below 0.00001.

Submissions (3):

Dasa
Classification: Likely pathogenic. Last evaluated: 2025-10-13. Review status: criteria provided, single submitter. Criteria: DASA Assertion Criteria. Collection method: clinical testing. Allele origin: germline.
Comment: NM_005422.4(TECTA):c.102del (p.Asn34Lysfs*8) is a frameshift variant in TECTA predicted to alter the reading frame and introduce a premature termination codon and is predicted to result in an absent or altered protein product. Loss of function is an established disease mechanism for TECTA-associated disorders. Also, this variant is rare in population databases. Based on the currently available evidence, this variant is classified as likely pathogenic.

GeneDx
Classification: Pathogenic. Last evaluated: 2023-03-01. Review status: criteria provided, single submitter. Criteria: GeneDx Variant Classification Process June 2021. Collection method: clinical testing. Allele origin: germline. Affected: yes.
Comment: Frameshift variant predicted to result in protein truncation or nonsense mediated decay in a gene for which loss-of-function is a known mechanism of disease; Not observed at significant frequency in large population cohorts (gnomAD); Has not been previously published as pathogenic or benign to our knowledge

Fulgent Genetics
Classification: Likely pathogenic for Autosomal dominant nonsyndromic hearing loss 12; Autosomal recessive nonsyndromic hearing loss 21. Last evaluated: 2022-05-11. Review status: criteria provided, single submitter. Criteria: ACMG Guidelines, 2015. Collection method: clinical testing. Allele origin: unknown.

NM_005422.4(TECTA):c.102del (p.Asn34fs)

Genes: TBCEL-TECTA (TBCEL-TECTA readthrough; plus strand), TECTA (tectorin alpha; plus strand). Cytogenetic location: 11q23.3.
Variant type: Deletion.
Coding change: c.102del on transcript NM_005422.4 (MANE Select); coding-DNA position 102, one base deleted (T; older notation c.102delT).
Protein change: p.Asn34fs; shifts the reading frame from asparagine 34.
Molecular consequence: frameshift variant.
Genome position (GRCh38, 1-based): chr11:121,105,868, T deleted. VCF-style (leftmost placement, unchanged base first): chr11-121105867-AT-A. GRCh37 (hg19) VCF-style: chr11-120976576-AT-A.
Other names: c.1059del, p.Asn353fs (NM_001378761.1); short protein forms N34fs, N353fs.
Identifiers: ClinVar variation 1329694 (VCV001329694.5), dbSNP rs2135050168, ClinGen allele CA2573053449.